The following is an entry in ClinVar:

NM_015557.3(CHD5):c.1200C>A (p.Asp400Glu)

Gene: CHD5 (chromodomain helicase DNA binding protein 5; minus strand). Cytogenetic location: 1p36.31.
Variant type: single nucleotide variant.
Coding change: c.1200C>A on transcript NM_015557.3 (MANE Select); coding-DNA position 1200, C replaced by A.
Protein change: p.Asp400Glu; replaces aspartic acid 400 with glutamic acid.
Molecular consequence: missense variant.
Genome position (GRCh38, 1-based): chr1:6,149,037, G>T on the plus strand (C>A on the coding strand, the complement: CHD5 is on the minus strand). VCF-style: chr1-6149037-G-T. GRCh37 (hg19) VCF-style: chr1-6209097-G-T.
Other names: short protein forms D400E.
Identifiers: ClinVar variation 1999099 (VCV001999099.4), dbSNP rs773732605, ClinGen allele CA338085437.

ClinVar aggregate classification (germline): Uncertain significance (1 of 4 stars; one submission).

Submission:

Labcorp Genetics (formerly Invitae), Labcorp
Classification: Uncertain significance. Last evaluated: 2022-05-26. Review status: criteria provided, single submitter. Criteria: Invitae Variant Classification Sherloc (09022015). Collection method: clinical testing. Allele origin: germline.
Comment: In summary, the available evidence is currently insufficient to determine the role of this variant in disease. Therefore, it has been classified as a Variant of Uncertain Significance. Algorithms developed to predict the effect of missense changes on protein structure and function output the following: SIFT: "Tolerated"; PolyPhen-2: "Benign"; Align-GVGD: "Class C0". The glutamic acid amino acid residue is found in multiple mammalian species, which suggests that this missense change does not adversely affect protein function. This variant has not been reported in the literature in individuals affected with CHD5-related conditions. This variant is not present in population databases (gnomAD no frequency). This sequence change replaces aspartic acid, which is acidic and polar, with glutamic acid, which is acidic and polar, at codon 400 of the CHD5 protein (p.Asp400Glu).